The following is an entry in ClinVar:

ClinVar aggregate classification (germline): Uncertain significance (1 of 4 stars; one submission).

Allele frequency attached by ClinVar (database versions not stated): ExAC 0.00002.
gnomAD v4.1: 18 of 1,608,712 alleles (0.0011%); highest among the groups gnomAD compares: Non-Finnish European, 0.0015%; no homozygotes.

Submission:

Ambry Genetics
Classification: Uncertain significance. Last evaluated: 2022-02-02. Review status: criteria provided, single submitter. Criteria: Ambry Variant Classification Scheme 2023. Collection method: clinical testing. Allele origin: germline.
Comment: The p.E247A variant (also known as c.740A>C), located in coding exon 9 of the NPAT gene, results from an A to C substitution at nucleotide position 740. The glutamic acid at codon 247 is replaced by alanine, an amino acid with dissimilar properties. This amino acid position is conserved. In addition, this alteration is predicted to be tolerated by in silico analysis. Since supporting evidence is limited at this time, the clinical significance of this alteration remains unclear.

NM_002519.3(NPAT):c.740A>C (p.Glu247Ala)

Gene: NPAT (nuclear protein, coactivator of histone transcription; minus strand). Cytogenetic location: 11q22.3.
Variant type: single nucleotide variant.
Coding change: c.740A>C on transcript NM_002519.3 (MANE Select); coding-DNA position 740, A replaced by C.
Protein change: p.Glu247Ala; replaces glutamic acid 247 with alanine.
Molecular consequence: missense variant.
Genome position (GRCh38, 1-based): chr11:108,185,481, T>G on the plus strand (A>C on the coding strand, the complement: NPAT is on the minus strand). VCF-style: chr11-108185481-T-G. GRCh37 (hg19) VCF-style: chr11-108056208-T-G.
Other names: c.740A>C, p.Glu247Ala (NM_001321307.1); short protein forms E247A.
Identifiers: ClinVar variation 1758768 (VCV001758768.2), dbSNP rs759624218, ClinGen allele CA6264195.
Genomic context (GRCh38, chr11:108,185,481, plus strand): 5'-ATGTTTTCTGCTAGCTTTTCTTGAAGAGATTTGTTGCTTAGTATTTTTTCTCGTGCATTT[T>G]CAATAACCATTTGCTGGAAAAGAAAGCCACTGTTAGCAAAAGGACAATAAAGAGTATTCT-3'
Protein context (NP_002510.2, residues 237-257): AFAVEKQMVI[Glu247Ala]NAREKILSNK